The following is an entry in ClinVar:

ClinVar aggregate classification (germline): Likely benign. Review status: criteria provided, multiple submitters, no conflicts (2 of 4 stars). 2 submissions from 2 submitters: Likely benign (2). Last evaluated 2024-02-16.

Conditions:
Focal segmental glomerulosclerosis 5 (FSGS5). Identifiers: Orphanet 656, MedGen C2750475, MONDO:0013191, OMIM 613237.
Charcot-Marie-Tooth disease dominant intermediate E. Also called: CHARCOT-MARIE-TOOTH NEUROPATHY WITH FOCAL SEGMENTAL GLOMERULONEPHRITIS. Identifiers: Orphanet 93114, MedGen C4302667, MONDO:0013758, OMIM 614455.

Allele frequency attached by ClinVar (database versions not stated): gnomAD exomes 0.00003 and 0.00004; gnomAD 0.00004; TOPMed 0.00004; ExAC 0.00006; ESP Exome Variant Server 0.00016.
gnomAD v4.1: 41 of 1,608,518 alleles (0.0025%); highest among the groups gnomAD compares: Middle Eastern, 0.017%; 1 homozygote.

Submissions (2):

Labcorp Genetics (formerly Invitae), Labcorp
Classification: Likely benign for Charcot-Marie-Tooth disease dominant intermediate E; Focal segmental glomerulosclerosis 5. Last evaluated: 2024-02-16. Review status: criteria provided, single submitter. Criteria: Invitae Variant Classification Sherloc (09022015). Collection method: clinical testing. Allele origin: germline.

GeneDx
Classification: Likely benign. Last evaluated: 2017-04-10. Review status: criteria provided, single submitter. Criteria: GeneDx Variant Classification (06012015). Collection method: clinical testing. Allele origin: germline. Affected: yes.
Comment: This variant is considered likely benign or benign based on one or more of the following criteria: it is a conservative change, it occurs at a poorly conserved position in the protein, it is predicted to be benign by multiple in silico algorithms, and/or has population frequency not consistent with disease.

NM_022489.4(INF2):c.701+19G>A

Gene: INF2 (inverted formin 2; plus strand). Cytogenetic location: 14q32.33.
Variant type: single nucleotide variant.
Coding change: c.701+19G>A on transcript NM_022489.4 (MANE Select); 19 bases into the intron after coding-DNA position 701, G replaced by A.
Molecular consequence: intron variant. On other transcripts: 3 prime UTR variant (1).
Genome position (GRCh38, 1-based): chr14:104,703,968, G>A. VCF-style: chr14-104703968-G-A. GRCh37 (hg19) VCF-style: chr14-105170305-G-A.
Other names: c.*15G>A (NM_032714.3); c.701+19G>A (NM_001031714.4).
Identifiers: ClinVar variation 508812 (VCV000508812.6), dbSNP rs371962265, ClinGen allele CA7372393.